The following is an entry in ClinVar:

ClinVar aggregate classification (germline): Uncertain significance (1 of 4 stars; one submission).

Allele frequency attached by ClinVar (database versions not stated): gnomAD 0.00001.

Submission:

Labcorp Genetics (formerly Invitae), Labcorp
Classification: Uncertain significance. Last evaluated: 2025-04-08. Review status: criteria provided, single submitter. Criteria: Invitae Variant Classification Sherloc (09022015). Collection method: clinical testing. Allele origin: germline.
Comment: This sequence change replaces arginine, which is basic and polar, with cysteine, which is neutral and slightly polar, at codon 242 of the ARHGEF1 protein (p.Arg242Cys). This variant is present in population databases (no rsID available, gnomAD 0.007%). This variant has not been reported in the literature in individuals affected with ARHGEF1-related conditions. ClinVar contains an entry for this variant (Variation ID: 1478373). An algorithm developed to predict the effect of missense changes on protein structure and function (PolyPhen-2) suggests that this variant is likely to be disruptive. In summary, the available evidence is currently insufficient to determine the role of this variant in disease. Therefore, it has been classified as a Variant of Uncertain Significance.

NM_004706.4(ARHGEF1):c.679C>T (p.Arg227Cys)

Gene: ARHGEF1 (Rho guanine nucleotide exchange factor 1; plus strand). Cytogenetic location: 19q13.2.
Variant type: single nucleotide variant.
Coding change: c.679C>T on transcript NM_004706.4 (MANE Select); coding-DNA position 679, C replaced by T.
Protein change: p.Arg227Cys; replaces arginine 227 with cysteine.
Molecular consequence: missense variant.
Genome position (GRCh38, 1-based): chr19:41,894,241, C>T. VCF-style: chr19-41894241-C-T. GRCh37 (hg19) VCF-style: chr19-42398314-C-T.
Other names: c.580C>T, p.Arg194Cys (NM_198977.2); c.724C>T, p.Arg242Cys (NM_199002.2); short protein forms R227C, R194C, R242C.
Identifiers: ClinVar variation 1478373 (VCV001478373.8), dbSNP rs1555847009, ClinGen allele CA406051549.